The following is an entry in ClinVar:

NM_000038.6(APC):c.2245T>C (p.Leu749=)

Gene: APC (APC regulator of Wnt signaling pathway; plus strand). Cytogenetic location: 5q22.2.
Variant type: single nucleotide variant.
Coding change: c.2245T>C on transcript NM_000038.6 (MANE Select); coding-DNA position 2245, T replaced by C.
Protein change: p.Leu749=; no amino-acid change (leucine 749 retained).
Molecular consequence: synonymous variant.
Genome position (GRCh38, 1-based): chr5:112,837,839, T>C. VCF-style: chr5-112837839-T-C. GRCh37 (hg19) VCF-style: chr5-112173536-T-C.
Other names: c.2245T>C, p.Leu749= (NM_001127510.3, NM_001354895.2); c.2191T>C, p.Leu731= (NM_001127511.3); c.2299T>C, p.Leu767= (NM_001354896.2); c.2275T>C, p.Leu759= (NM_001354897.2); c.2170T>C, p.Leu724= (NM_001354898.2); c.2161T>C, p.Leu721= (NM_001354899.2); c.2122T>C, p.Leu708= (NM_001354900.2); c.2068T>C, p.Leu690= (NM_001354901.2); and 5 more.
Identifiers: ClinVar variation 485152 (VCV000485152.15), dbSNP rs976000214, ClinGen allele CA125167760.

ClinVar aggregate classification (germline): Benign/Likely benign. Review status: criteria provided, multiple submitters, no conflicts (2 of 4 stars). 4 submissions from 4 submitters: Benign (1); Likely benign (3). Last evaluated 2025-09-06.

Conditions:
Hereditary cancer-predisposing syndrome. Also called: Neoplastic Syndromes, Hereditary; Tumor predisposition; Hereditary Cancer Syndrome; Hereditary neoplastic syndrome. Identifiers: Orphanet 140162, MedGen C0027672, MeSH D009386, MONDO:0015356.
Familial adenomatous polyposis 1 (FAP1). Also called: FAMILIAL ADENOMATOUS POLYPOSIS 1, ATTENUATED; POLYPOSIS, ADENOMATOUS INTESTINAL. Identifiers: MedGen C2713442, MONDO:0021056, OMIM 175100. Disease mechanism: loss of function.

Allele frequency attached by ClinVar (database versions not stated): TOPMed below 0.00001.

Submissions (4):

Labcorp Genetics (formerly Invitae), Labcorp
Classification: Likely benign for Familial adenomatous polyposis 1. Last evaluated: 2025-09-06. Review status: criteria provided, single submitter. Criteria: Invitae Variant Classification Sherloc (09022015). Collection method: clinical testing. Allele origin: germline.

Myriad Genetics, Inc.
Classification: Benign for Familial adenomatous polyposis 1. Last evaluated: 2024-03-11. Review status: criteria provided, single submitter. Criteria: Myriad Autosomal Dominant, Autosomal Recessive and X-Linked Classification Criteria (2023). Collection method: clinical testing. Allele origin: unknown.
Comment: This variant is considered benign. This variant is a silent/synonymous amino acid change and it is not expected to impact splicing.

Color Diagnostics, LLC DBA Color Health
Classification: Likely benign for Hereditary cancer-predisposing syndrome. Last evaluated: 2021-05-17. Review status: criteria provided, single submitter. Criteria: ACMG Guidelines, 2015. Collection method: clinical testing. Allele origin: germline.

Ambry Genetics
Classification: Likely benign for Hereditary cancer-predisposing syndrome. Last evaluated: 2017-02-27. Review status: criteria provided, single submitter. Criteria: Ambry Variant Classification Scheme 2023. Collection method: clinical testing. Allele origin: germline.